The following is an entry in ClinVar:

NM_001267550.2(TTN):c.43315C>T (p.Arg14439Cys)

Gene: TTN (titin; minus strand). Cytogenetic location: 2q31.2.
Variant type: single nucleotide variant.
Coding change: c.43315C>T on transcript NM_001267550.2 (MANE Select); coding-DNA position 43315, C replaced by T.
Protein change: p.Arg14439Cys; replaces arginine 14439 with cysteine.
Molecular consequence: missense variant.
Genome position (GRCh38, 1-based): chr2:178,632,691, G>A on the plus strand (C>T on the coding strand, the complement: TTN is on the minus strand). VCF-style: chr2-178632691-G-A. GRCh37 (hg19) VCF-style: chr2-179497418-G-A.
Other names: c.43315C>T (LRG_391t1); c.38392C>T, p.Arg12798Cys (NM_001256850.1); c.16120C>T, p.Arg5374Cys (NM_003319.4); c.35611C>T, p.Arg11871Cys (NM_133378.4); c.16495C>T, p.Arg5499Cys (NM_133432.3); c.16696C>T, p.Arg5566Cys (NM_133437.4); short protein forms R14439C, R11871C, R12798C, R5374C, R5499C, R5566C.
Identifiers: ClinVar variation 448795 (VCV000448795.13), dbSNP rs200914097, ClinGen allele CA1995898.

ClinVar aggregate classification (germline): Conflicting classifications of pathogenicity. Review status: criteria provided, conflicting classifications (1 of 4 stars). 6 submissions from 6 submitters: Uncertain significance (5); Likely benign (1). Last evaluated 2026-02-09.

Conditions:
Cardiovascular phenotype. Identifiers: MedGen CN230736.
TTN-related disorder. Also called: TTN-related condition; TTN-related disease; TTN-related disorders.
Autosomal recessive limb-girdle muscular dystrophy type 2J (LGMDR10). Also called: Limb-girdle muscular dystrophy, type 2J; MUSCULAR DYSTROPHY, LIMB-GIRDLE, AUTOSOMAL RECESSIVE 10. Identifiers: Orphanet 140922, MedGen C1837342, MONDO:0012127, OMIM 608807.
Dilated cardiomyopathy 1G (CMD1G). Identifiers: Orphanet 154, MedGen C1858763, MONDO:0011400, OMIM 604145.

Allele frequency attached by ClinVar (database versions not stated): ESP Exome Variant Server 0.00025; gnomAD exomes 0.00002 and 0.00004; ExAC 0.00004; TOPMed 0.00013; gnomAD 0.00016.
gnomAD v4.1: 51 of 1,613,176 alleles (0.0032%); highest among the groups gnomAD compares: African/African-American, 0.045%; no homozygotes.

Submissions (6):

PreventionGenetics, part of Exact Sciences
Classification: Uncertain significance for TTN-related condition. Last evaluated: 2026-02-09. Review status: criteria provided, single submitter. Criteria: ACMG Guidelines, 2015. Collection method: clinical testing. Allele origin: germline.
Comment: The TTN c.43315C>T variant is predicted to result in the amino acid substitution p.Arg14439Cys. To our knowledge, this variant has not been reported in the literature. This variant is reported in 0.037% of alleles in individuals of African descent in gnomAD. At this time, the clinical significance of this variant is uncertain due to the absence of conclusive functional and genetic evidence.

GeneDx
Classification: Likely benign. Last evaluated: 2020-06-24. Review status: criteria provided, single submitter. Criteria: GeneDx Variant Classification Process June 2021. Collection method: clinical testing. Allele origin: germline. Affected: yes.

Ambry Genetics
Classification: Uncertain significance for Cardiovascular phenotype. Last evaluated: 2019-10-11. Review status: criteria provided, single submitter. Criteria: Ambry Variant Classification Scheme 2023. Collection method: clinical testing. Allele origin: germline.
Comment: The p.R5374C variant (also known as c.16120C>T), located in coding exon 62 of the TTN gene, results from a C to T substitution at nucleotide position 16120. The arginine at codon 5374 is replaced by cysteine, an amino acid with highly dissimilar properties. This amino acid position is highly conserved in available vertebrate species. In addition, the in silico prediction for this alteration is inconclusive. Since supporting evidence is limited at this time, the clinical significance of this alteration remains unclear.

Eurofins Ntd Llc (ga)
Classification: Uncertain significance. Last evaluated: 2017-09-22. Review status: criteria provided, single submitter. Criteria: EGL Classification Definitions 2015. Collection method: clinical testing. Allele origin: germline. Observed: 3 variant alleles, 3 heterozygotes.

Athena Diagnostics
Classification: Uncertain significance. Last evaluated: 2017-06-20. Review status: criteria provided, single submitter. Criteria: Athena Diagnostics Criteria. Collection method: clinical testing. Allele origin: germline.

Labcorp Genetics (formerly Invitae), Labcorp
Classification: Uncertain significance for Dilated cardiomyopathy 1G; Autosomal recessive limb-girdle muscular dystrophy type 2J. Last evaluated: 2017-06-13. Review status: criteria provided, single submitter. Criteria: Invitae Variant Classification Sherloc (09022015). Collection method: clinical testing. Allele origin: germline.